The following is an entry in ClinVar:

NM_001130438.3(SPTAN1):c.4153C>T (p.Arg1385Trp)

Gene: SPTAN1 (spectrin alpha, non-erythrocytic 1; plus strand). Cytogenetic location: 9q34.11.
Variant type: single nucleotide variant.
Coding change: c.4153C>T on transcript NM_001130438.3 (MANE Select); coding-DNA position 4153, C replaced by T.
Protein change: p.Arg1385Trp; replaces arginine 1385 with tryptophan.
Molecular consequence: missense variant.
Genome position (GRCh38, 1-based): chr9:128,607,858, C>T. VCF-style: chr9-128607858-C-T. GRCh37 (hg19) VCF-style: chr9-131370137-C-T.
Other names: c.4093C>T, p.Arg1365Trp (NM_001195532.2, NM_001363765.2); c.4153C>T, p.Arg1385Trp (NM_001363759.2, NM_003127.4); short protein forms R1385W, R1365W.
Identifiers: ClinVar variation 530530 (VCV000530530.13), dbSNP rs770189298, ClinGen allele CA5265135.

ClinVar aggregate classification (germline): Conflicting classifications of pathogenicity. Review status: criteria provided, conflicting classifications (1 of 4 stars). 3 submissions from 3 submitters: Uncertain significance (1); Likely benign (2). Last evaluated 2024-12-28.

Conditions:
Early-infantile DEE. Also called: Early infantile epileptic encephalopathy; Ohtahara syndrome; Early infantile epileptic encephalopathy with suppression bursts. Identifiers: Orphanet 1934, MedGen C0393706, MONDO:0800491.
Developmental and epileptic encephalopathy, 5 (DEE5). Identifiers: Orphanet 3451, MedGen C3150731, MONDO:0013277, OMIM 613477.

Allele frequency attached by ClinVar (database versions not stated): gnomAD below 0.00001 and 0.00001; TOPMed below 0.00001; ExAC 0.00002; gnomAD exomes 0.00002.
gnomAD v4.1: 14 of 1,613,784 alleles (0.00087%); highest among the groups gnomAD compares: South Asian, 0.0088%; no homozygotes.

Submissions (3):

Labcorp Genetics (formerly Invitae), Labcorp
Classification: Uncertain significance for Early-infantile DEE. Last evaluated: 2024-12-28. Review status: criteria provided, single submitter. Criteria: Invitae Variant Classification Sherloc (09022015). Collection method: clinical testing. Allele origin: germline.
Comment: This sequence change replaces arginine, which is basic and polar, with tryptophan, which is neutral and slightly polar, at codon 1385 of the SPTAN1 protein (p.Arg1385Trp). This variant is present in population databases (rs770189298, gnomAD 0.02%). This variant has not been reported in the literature in individuals affected with SPTAN1-related conditions. ClinVar contains an entry for this variant (Variation ID: 530530). Invitae Evidence Modeling of protein sequence and biophysical properties (such as structural, functional, and spatial information, amino acid conservation, physicochemical variation, residue mobility, and thermodynamic stability) has been performed for this missense variant. However, the output from this modeling did not meet the statistical confidence thresholds required to predict the impact of this variant on SPTAN1 protein function. In summary, the available evidence is currently insufficient to determine the role of this variant in disease. Therefore, it has been classified as a Variant of Uncertain Significance.

Genome-Nilou Lab
Classification: Likely benign for Developmental and epileptic encephalopathy, 5. Last evaluated: 2021-07-15. Review status: criteria provided, single submitter. Criteria: ACMG Guidelines, 2015. Collection method: clinical testing. Allele origin: germline. Affected: no.

GeneDx
Classification: Likely benign. Last evaluated: 2019-03-01. Review status: criteria provided, single submitter. Criteria: GeneDx Variant Classification (06012015). Collection method: clinical testing. Allele origin: germline. Affected: yes.
Comment: This variant is considered likely benign or benign based on one or more of the following criteria: it is a conservative change, it occurs at a poorly conserved position in the protein, it is predicted to be benign by multiple in silico algorithms, and/or has population frequency not consistent with disease.